The following is an entry in ClinVar:

ClinVar aggregate classification (germline): Uncertain significance (1 of 4 stars; one submission).

Allele frequency attached by ClinVar (database versions not stated): gnomAD 0.00001; TOPMed 0.00001.
gnomAD v4.1: 4 of 1,347,732 alleles (0.0003%); highest among the groups gnomAD compares: Middle Eastern, 0.028%; no homozygotes.

Submission:

GeneDx
Classification: Uncertain significance. Last evaluated: 2020-02-07. Review status: criteria provided, single submitter. Criteria: GeneDx Variant Classification Process June 2021. Collection method: clinical testing. Allele origin: germline. Affected: yes.
Comment: Not observed in large population cohorts (Lek et al., 2016); In silico analysis supports that this missense variant does not alter protein structure/function; Has not been previously published as pathogenic or benign to our knowledge

NM_015114.3(ANKLE2):c.109C>G (p.Pro37Ala)

Gene: ANKLE2 (ankyrin repeat and LEM domain containing 2; minus strand). Cytogenetic location: 12q24.33.
Variant type: single nucleotide variant.
Coding change: c.109C>G on transcript NM_015114.3 (MANE Select); coding-DNA position 109, C replaced by G.
Protein change: p.Pro37Ala; replaces proline 37 with alanine.
Molecular consequence: missense variant.
Genome position (GRCh38, 1-based): chr12:132,761,690, G>C on the plus strand (C>G on the coding strand, the complement: ANKLE2 is on the minus strand). VCF-style: chr12-132761690-G-C. GRCh37 (hg19) VCF-style: chr12-133338276-G-C.
Other names: short protein forms P37A.
Identifiers: ClinVar variation 1315223 (VCV001315223.2), dbSNP rs1233913710, ClinGen allele CA387364865.